The following is an entry in ClinVar:

ClinVar aggregate classification (germline): Uncertain significance. Review status: criteria provided, multiple submitters, no conflicts (2 of 4 stars). 2 submissions from 2 submitters: Uncertain significance (2). Last evaluated 2024-11-19.

Allele frequency attached by ClinVar (database versions not stated): gnomAD exomes 0.00001.
gnomAD v4.1: 8 of 1,614,220 alleles (0.0005%); highest among the groups gnomAD compares: Non-Finnish European, 0.00068%; no homozygotes.

Submissions (2):

GeneDx
Classification: Uncertain significance. Last evaluated: 2024-11-19. Review status: criteria provided, single submitter. Criteria: GeneDx Variant Classification Process June 2021. Collection method: clinical testing. Allele origin: germline. Affected: yes.
Comment: Not observed at significant frequency in large population cohorts (gnomAD); In silico analysis indicates that this missense variant does not alter protein structure/function; Has not been previously published as pathogenic or benign to our knowledge

CeGaT Center for Human Genetics Tuebingen
Classification: Uncertain significance. Last evaluated: 2023-07-01. Review status: criteria provided, single submitter. Criteria: CeGaT Center For Human Genetics Tuebingen Variant Classification Criteria Version 2. Collection method: clinical testing. Allele origin: germline. Affected: yes. Observed: 1 variant allele.
Comment: HERC2: PM2

NM_004667.6(HERC2):c.2048A>G (p.Lys683Arg)

Gene: HERC2 (HECT and RLD domain containing E3 ubiquitin protein ligase 2; minus strand). Cytogenetic location: 15q13.1.
Variant type: single nucleotide variant.
Coding change: c.2048A>G on transcript NM_004667.6 (MANE Select); coding-DNA position 2048, A replaced by G.
Protein change: p.Lys683Arg; replaces lysine 683 with arginine.
Molecular consequence: missense variant.
Genome position (GRCh38, 1-based): chr15:28,262,992, T>C on the plus strand (A>G on the coding strand, the complement: HERC2 is on the minus strand). VCF-style: chr15-28262992-T-C. GRCh37 (hg19) VCF-style: chr15-28508138-T-C.
Other names: c.2048A>G (NM_004667.5); short protein forms K683R.
Identifiers: ClinVar variation 2645077 (VCV002645077.24), dbSNP rs2075455310, ClinGen allele CA391397447.